The following is an entry in ClinVar:

NM_000535.7(PMS2):c.1255A>T (p.Arg419Ter)

Gene: PMS2 (PMS1 homolog 2, mismatch repair system component; minus strand). Cytogenetic location: 7p22.1.
Variant type: single nucleotide variant.
Coding change: c.1255A>T on transcript NM_000535.7 (MANE Select); coding-DNA position 1255, A replaced by T.
Protein change: p.Arg419Ter; replaces arginine 419 with a stop codon.
Molecular consequence: nonsense. On other transcripts: non-coding transcript variant (1), intron variant (1).
Genome position (GRCh38, 1-based): chr7:5,987,510, T>A on the plus strand (A>T on the coding strand, the complement: PMS2 is on the minus strand). VCF-style: chr7-5987510-T-A. GRCh37 (hg19) VCF-style: chr7-6027141-T-A.
Other names: c.850A>T, p.Arg284Ter (NM_001322003.2, NM_001322004.2, NM_001322005.2 and 16 more transcripts); c.1099A>T, p.Arg367Ter (NM_001322006.2, NM_001406870.1); c.937A>T, p.Arg313Ter (NM_001322007.2, NM_001322008.2, NM_001406876.1 and 2 more transcripts); c.694A>T, p.Arg232Ter (NM_001322010.2, NM_001406906.1, NM_001406907.1); c.322A>T, p.Arg108Ter (NM_001322011.2, NM_001322012.2); c.682A>T, p.Arg228Ter (NM_001322013.2, NM_001406909.1); c.1255A>T, p.Arg419Ter (NM_001322014.2, NM_001406871.1, NM_001406872.1); c.946A>T, p.Arg316Ter (NM_001322015.2, NM_001406875.1, NM_001406877.1 and 5 more transcripts); and 13 more; short protein forms R108*, R162*, R228*, R232*, R248*, R261*, R264*, R284*.
Identifiers: ClinVar variation 3774396 (VCV003774396.1).
Genomic context (GRCh38, chr7:5,987,510, plus strand): 5'-TCTTTGGGCTGTGAGGCTTGTTCTCTGTTGTGTGACGAAGAGAAAAGGCCTCTCGCAGTC[T>A]GGAAATGGACACGTCTTTTTTTTCTTCTCCAGTCCTTAATGAAGGGGATTGATCCTGCTT-3'

ClinVar aggregate classification (germline): Likely pathogenic (1 of 4 stars; one submission).

Conditions:
Hereditary cancer-predisposing syndrome. Also called: Tumor predisposition; Hereditary Cancer Syndrome; Neoplastic Syndromes, Hereditary; Hereditary neoplastic syndrome. Identifiers: Orphanet 140162, MedGen C0027672, MeSH D009386, MONDO:0015356.

Submission:

Molecular Diagnostics Laboratory, Catalan Institute of Oncology
Classification: Likely pathogenic for Hereditary cancer-predisposing syndrome. Last evaluated: 2024-12-02. Review status: criteria provided, single submitter. Criteria: MMR VCEP Paper Draft V3.1. Collection method: clinical testing. Allele origin: germline.
Comment: PVS1, PM2_supporting c.1255A>T, located in exon 11 of the PMS2 gene, is a nonsense variant expected to result in loss of function by premature protein truncation and nonsense-mediated mRNA decay, p.(Arg419*)(PVS1). It is not present in the population database gnomAD v2.1.1, non-cancer dataset (PM2_Supporting). Computational tools for this variant suggests no significant impact on splicing. To our knowledge, neither clinical data nor functional studies have been reported for this variant. This variant has been reported in the ClinVar database (2x uncertain significance) but has not been identified neither in LOVD nor InSiGHT databases. Based on currently available information, the variant c.1255A>T is classified as a likely pathogenic variant according to ACMG guidelines.